The following is an entry in ClinVar:

NM_000291.4(PGK1):c.455C>G (p.Ala152Gly)

Gene: PGK1 (phosphoglycerate kinase 1; plus strand). Cytogenetic location: Xq21.1.
Variant type: single nucleotide variant.
Coding change: c.455C>G on transcript NM_000291.4 (MANE Select); coding-DNA position 455, C replaced by G.
Protein change: p.Ala152Gly; replaces alanine 152 with glycine.
Molecular consequence: missense variant.
Genome position (GRCh38, 1-based): chrX:78,117,349, C>G. VCF-style: chrX-78117349-C-G. GRCh37 (hg19) VCF-style: chrX-77372846-C-G.
Other names: short protein forms A152G.
Identifiers: ClinVar variation 1800724 (VCV001800724.1), dbSNP rs2522493109, ClinGen allele CA413721089.

ClinVar aggregate classification (germline): Uncertain significance (1 of 4 stars; one submission).

Submission:

GeneDx
Classification: Uncertain significance. Last evaluated: 2022-05-16. Review status: criteria provided, single submitter. Criteria: GeneDx Variant Classification Process June 2021. Collection method: clinical testing. Allele origin: germline. Affected: yes.
Comment: Not observed at significant frequency in large population cohorts (gnomAD); In silico analysis supports that this missense variant has a deleterious effect on protein structure/function; Has not been previously published as pathogenic or benign to our knowledge